The following is an entry in ClinVar:

ClinVar aggregate classification (germline): Uncertain significance (1 of 4 stars; one submission).

Submission:

Labcorp Genetics (formerly Invitae), Labcorp
Classification: Uncertain significance. Last evaluated: 2024-02-24. Review status: criteria provided, single submitter. Criteria: Invitae Variant Classification Sherloc (09022015). Collection method: clinical testing. Allele origin: germline.
Comment: This sequence change replaces arginine, which is basic and polar, with glycine, which is neutral and non-polar, at codon 38 of the TCIRG1 protein (p.Arg38Gly). This variant is not present in population databases (gnomAD no frequency). This variant has not been reported in the literature in individuals affected with TCIRG1-related conditions. ClinVar contains an entry for this variant (Variation ID: 2160280). Advanced modeling of protein sequence and biophysical properties (such as structural, functional, and spatial information, amino acid conservation, physicochemical variation, residue mobility, and thermodynamic stability) has been performed at Invitae for this missense variant, however the output from this modeling did not meet the statistical confidence thresholds required to predict the impact of this variant on TCIRG1 protein function. In summary, the available evidence is currently insufficient to determine the role of this variant in disease. Therefore, it has been classified as a Variant of Uncertain Significance.

NM_006019.4(TCIRG1):c.112A>G (p.Arg38Gly)

Gene: TCIRG1 (T cell immune regulator 1, ATPase H+ transporting V0 subunit a3; plus strand). Cytogenetic location: 11q13.2.
Variant type: single nucleotide variant.
Coding change: c.112A>G on transcript NM_006019.4 (MANE Select); coding-DNA position 112, A replaced by G.
Protein change: p.Arg38Gly; replaces arginine 38 with glycine.
Molecular consequence: missense variant. On other transcripts: 5 prime UTR variant (1).
Genome position (GRCh38, 1-based): chr11:68,041,383, A>G. VCF-style: chr11-68041383-A-G. GRCh37 (hg19) VCF-style: chr11-67808850-A-G.
Other names: c.-1138A>G (NM_001351059.2); short protein forms R38G.
Identifiers: ClinVar variation 2160280 (VCV002160280.3), dbSNP rs2134430885, ClinGen allele CA381573103.